The following is an entry in ClinVar:

NM_002253.4(KDR):c.2494G>C (p.Asp832His)

Gene: KDR (kinase insert domain receptor; minus strand). Cytogenetic location: 4q12.
Variant type: single nucleotide variant.
Coding change: c.2494G>C on transcript NM_002253.4 (MANE Select); coding-DNA position 2494, G replaced by C.
Protein change: p.Asp832His; replaces aspartic acid 832 with histidine.
Molecular consequence: missense variant.
Genome position (GRCh38, 1-based): chr4:55,098,152, C>G on the plus strand (G>C on the coding strand, the complement: KDR is on the minus strand). VCF-style: chr4-55098152-C-G. GRCh37 (hg19) VCF-style: chr4-55964319-C-G.
Other names: short protein forms D832H.
Identifiers: ClinVar variation 3113933 (VCV003113933.3), dbSNP rs768465015, ClinGen allele CA2924400.
Genomic context (GRCh38, chr4:55,098,152, plus strand): 5'-GGCCTGGTAAACACAATATCAAATTAATAGCAATTGAAAATGCACCTAGCTTCAGCCGGT[C>G]TCTGGGGAATTCCCATTTGCTGGCATCATAAGGCAGTCGTTCACAATGTTCATCCAATGG-3'
Protein context (NP_002244.1, residues 822-842): YDASKWEFPR[Asp832His]RLKLGKPLGR

ClinVar aggregate classification (germline): Uncertain significance. Review status: criteria provided, multiple submitters, no conflicts (2 of 4 stars). 2 submissions from 2 submitters: Uncertain significance (2). Last evaluated 2026-02-13.

Conditions:
Capillary infantile hemangioma. Also called: HEMANGIOMA, HEREDITARY CAPILLARY; Hemangioma, capillary infantile, somatic; Hereditary capillary infantile hemangioma. Identifiers: MedGen C1865871, MONDO:0011191, OMIM 602089.

Allele frequency attached by ClinVar (database versions not stated): ExAC 0.00005; TOPMed 0.00009.

Submissions (2):

Clinical Genomics Laboratory, Washington University in St. Louis
Classification: Uncertain significance for Capillary infantile hemangioma. Last evaluated: 2026-02-13. Review status: criteria provided, single submitter. Criteria: ACMG Guidelines, 2015. Collection method: clinical testing. Allele origin: germline.
Comment: A KDR c.2494G>C (p.Asp832His) variant was identified at a near heterozygous allelic fraction of 49%, a frequency which may be consistent with germline origin. This variant, to our knowledge, has not been reported in the medical literature but has been reported in the ClinVar database as germline variant of uncertain significance by one submitter (Variation ID: 3113933). This variant is observed on 141/1,461,648 alleles in the general population (gnomAD v4.1.0), indicating it is not a common variant. Computational predictors indicate that the variant is damaging, evidence that correlates with impact to KDR function. Due to limited information, and based on ACMG/AMP guidelines for variant interpretation (Richards S et al., PMID: 25741868), the clinical significance of this variant is uncertain at this time.

Ambry Genetics
Classification: Uncertain significance. Last evaluated: 2024-12-03. Review status: criteria provided, single submitter. Criteria: Ambry Variant Classification Scheme 2023. Collection method: clinical testing. Allele origin: germline.